The following is an entry in ClinVar:

ClinVar aggregate classification (germline): Conflicting classifications of pathogenicity. Review status: criteria provided, conflicting classifications (1 of 4 stars). 4 submissions from 4 submitters: Uncertain significance (1); Benign (1); Likely benign (2). Last evaluated 2026-01-26.

Allele frequency attached by ClinVar (database versions not stated): 1000 Genomes Project 30x 0.00062; 1000 Genomes Project 0.00080; ExAC 0.00125; gnomAD exomes 0.00129 and 0.00188; TOPMed 0.00129; ESP Exome Variant Server 0.00177; gnomAD 0.00131 and 0.00136.
gnomAD v4.1: 2,899 of 1,606,218 alleles (0.18%); highest among the groups gnomAD compares: Non-Finnish European, 0.23%; 8 homozygotes.

Submissions (7):

Labcorp Genetics (formerly Invitae), Labcorp
Classification: Benign. Last evaluated: 2026-01-26. Review status: criteria provided, single submitter. Criteria: Invitae Variant Classification Sherloc (09022015). Collection method: clinical testing. Allele origin: germline.

CeGaT Center for Human Genetics Tuebingen
Classification: Likely benign. Last evaluated: 2025-07-01. Review status: criteria provided, single submitter. Criteria: CeGaT Center For Human Genetics Tuebingen Variant Classification Criteria Version 2. Collection method: clinical testing. Allele origin: germline. Affected: yes. Observed: 2 variant alleles.
Comment: PTH1R: BS2

Blueprint Genetics
Classification: Likely benign. Last evaluated: 2024-11-07. Review status: criteria provided, single submitter. Criteria: ACMG Guidelines, 2015. Collection method: clinical testing. Allele origin: germline.

ARUP Laboratories, Molecular Genetics and Genomics, ARUP Laboratories
Classification: Uncertain significance. Last evaluated: 2023-11-29. Review status: criteria provided, single submitter. Criteria: ARUP Molecular Germline Variant Investigation Process 2024. Collection method: clinical testing. Allele origin: germline.
Comment: The PTH1R c.988+16G>A variant (rs140651831), to our knowledge, is not reported in the medical literature but is reported in ClinVar (Variation ID: 993421). This variant is found in the general population with an overall allele frequency of 0.13 % (361/ 280,120 alleles, including a single homozygote) in the Genome Aggregation Database. This is an intronic variant in a weakly conserved nucleotide, but computational analyses (Alamut Visual Plus v.1.5.1) predict that this variant may impact splicing by creating a novel cryptic donor splice site. Due to limited information, the clinical significance of the c.988+16G>A variant is uncertain at this time.

Dr. Peter K. Rogan Lab, Western University
No classification provided (evidence only). Condition: Nonpapillary renal cell carcinoma. Review status: no classification provided. Collection method: in vitro. Allele origin: not applicable. Functional consequence: cryptic splice site, retained intron. Not counted in ClinVar's aggregate classification.

Dr. Peter K. Rogan Lab, Western University
No classification provided (evidence only). Condition: Lymphoma. Review status: no classification provided. Collection method: in vitro. Allele origin: not applicable. Functional consequence: skipped exon, retained intron. Not counted in ClinVar's aggregate classification.

Dr. Peter K. Rogan Lab, Western University
No classification provided (evidence only). Condition: Lymphoma. Review status: no classification provided. Collection method: in vitro. Allele origin: not applicable. Functional consequence: cryptic splice site. Not counted in ClinVar's aggregate classification.

NM_000316.3(PTH1R):c.988+16G>A

Gene: PTH1R (parathyroid hormone 1 receptor; plus strand). Cytogenetic location: 3p21.31.
Variant type: single nucleotide variant.
Coding change: c.988+16G>A on transcript NM_000316.3 (MANE Select); 16 bases into the intron after coding-DNA position 988, G replaced by A.
Molecular consequence: intron variant.
Genome position (GRCh38, 1-based): chr3:46,899,472, G>A. VCF-style: chr3-46899472-G-A. GRCh37 (hg19) VCF-style: chr3-46940962-G-A.
Other names: c.988+16G>A (NM_001184744.1).
Identifiers: ClinVar variation 993421 (VCV000993421.25), dbSNP rs140651831, ClinGen allele CA2359364.